The following is an entry in ClinVar:

ClinVar aggregate classification (germline): Uncertain significance (1 of 4 stars; one submission).

Allele frequency attached by ClinVar (database versions not stated): gnomAD exomes below 0.00001.
gnomAD v4.1: 8 of 1,614,240 alleles (0.0005%); highest among the groups gnomAD compares: Non-Finnish European, 0.00059%; no homozygotes.

Submission:

Institute for Clinical Genetics, University Hospital TU Dresden, University Hospital TU Dresden
Classification: Uncertain significance. Last evaluated: 2022-08-03. Review status: criteria provided, single submitter. Criteria: ACMG Guidelines, 2015. Collection method: clinical testing. Allele origin: germline.
Comment: PP4, PP3, PM2_SUP

NM_006796.3(AFG3L2):c.1081A>G (p.Thr361Ala)

Gene: AFG3L2 (AFG3 like matrix AAA peptidase subunit 2; minus strand). Cytogenetic location: 18p11.21.
Variant type: single nucleotide variant.
Coding change: c.1081A>G on transcript NM_006796.3 (MANE Select); coding-DNA position 1081, A replaced by G.
Protein change: p.Thr361Ala; replaces threonine 361 with alanine.
Molecular consequence: missense variant.
Genome position (GRCh38, 1-based): chr18:12,356,777, T>C on the plus strand (A>G on the coding strand, the complement: AFG3L2 is on the minus strand). VCF-style: chr18-12356777-T-C. GRCh37 (hg19) VCF-style: chr18-12356776-T-C.
Other names: short protein forms T361A.
Identifiers: ClinVar variation 2575979 (VCV002575979.1), dbSNP rs2510229564, ClinGen allele CA401953240.
Genomic context (GRCh38, chr18:12,356,777, plus strand): 5'-ACATCTCCAAAAACTCAGATCCACTAACGGTGATGAAGGGGACATTGGCTTCTCCGGCTG[T>C]GGCCTTAGCTAGCAGCGTCTTCCCAGTGCCTGGAGGACCAGTGAGAATGGCACCCTTCAG-3'
Protein context (NP_006787.2, residues 351-371): GTGKTLLAKA[Thr361Ala]AGEANVPFIT